The following is an entry in ClinVar:

ClinVar aggregate classification (germline): Conflicting classifications of pathogenicity. Review status: criteria provided, conflicting classifications (1 of 4 stars). 7 submissions from 7 submitters: Uncertain significance (1); Likely benign (4). 2 of the submissions do not count toward it. Last evaluated 2026-07-19.

Conditions:
Bardet-Biedl syndrome (BBS). Identifiers: Orphanet 110, MedGen C0752166, MONDO:0015229.
Bardet-Biedl syndrome 12 (BBS12). Identifiers: Orphanet 110, MedGen C1859570, MONDO:0014440, OMIM 615989.

Allele frequency attached by ClinVar (database versions not stated): gnomAD exomes 0.00023 and 0.00050; ExAC 0.00065; gnomAD 0.00208 and 0.00220; ESP Exome Variant Server 0.00215; TOPMed 0.00224; 1000 Genomes Project 0.00280; 1000 Genomes Project 30x 0.00312.
gnomAD v4.1: 670 of 1,614,174 alleles (0.042%); highest among the groups gnomAD compares: African/African-American, 0.69%; no homozygotes.

Submissions (7):

GeneDx
Classification: Uncertain significance. Last evaluated: 2026-07-19. Review status: criteria provided, single submitter. Criteria: GeneDx Variant Classification Process June 2021. Collection method: clinical testing. Allele origin: germline.
Comment: In silico analysis suggests that this missense variant does not alter protein structure/function; Has not been previously published as pathogenic or benign to our knowledge

Labcorp Genetics (formerly Invitae), Labcorp
Classification: Likely benign for Bardet-Biedl syndrome. Last evaluated: 2026-01-28. Review status: criteria provided, single submitter. Criteria: Invitae Variant Classification Sherloc (09022015). Collection method: clinical testing. Allele origin: germline.

Blueprint Genetics
Classification: Likely benign. Last evaluated: 2024-11-08. Review status: criteria provided, single submitter. Criteria: ACMG Guidelines, 2015. Collection method: clinical testing. Allele origin: germline.

Illumina Laboratory Services, Illumina
Classification: Likely benign for Bardet-Biedl syndrome 12. Last evaluated: 2018-01-13. Review status: criteria provided, single submitter. Criteria: ICSL Variant Classification Criteria 13 December 2019. Collection method: clinical testing. Allele origin: germline.
Comment: This variant was observed in the ICSL laboratory as part of a predisposition screen in an ostensibly healthy population. It had not been previously curated by ICSL or reported in the Human Gene Mutation Database (HGMD: prior to June 1st, 2018), and was therefore a candidate for classification through an automated scoring system. Utilizing variant allele frequency, disease prevalence and penetrance estimates, and inheritance mode, an automated score was calculated to assess if this variant is too frequent to cause the disease. Based on the score and internal cut-off values, a variant classified as likely benign is not then subjected to further curation. The score for this variant resulted in a classification of likely benign for this disease.

Eurofins Ntd Llc (ga)
Classification: Likely benign. Last evaluated: 2016-07-05. Review status: criteria provided, single submitter. Criteria: EGL Classification Definitions 2015. Collection method: clinical testing. Allele origin: germline. Observed: 1 variant allele, 1 heterozygote.

Clinical Genetics DNA and cytogenetics Diagnostics Lab, Erasmus MC, Erasmus Medical Center
Classification: Likely benign. Review status: no assertion criteria provided. Collection method: clinical testing. Allele origin: germline. Affected: yes. Study: VKGL Data-share Consensus. Not counted in ClinVar's aggregate classification.

Genome Diagnostics Laboratory, University Medical Center Utrecht
Classification: Likely benign. Review status: no assertion criteria provided. Collection method: clinical testing. Allele origin: germline. Affected: yes. Study: VKGL Data-share Consensus. Not counted in ClinVar's aggregate classification.

NM_152618.3(BBS12):c.212A>G (p.Asn71Ser)

Gene: BBS12 (Bardet-Biedl syndrome 12; plus strand). Cytogenetic location: 4q27.
Variant type: single nucleotide variant.
Coding change: c.212A>G on transcript NM_152618.3 (MANE Select); coding-DNA position 212, A replaced by G.
Protein change: p.Asn71Ser; replaces asparagine 71 with serine.
Molecular consequence: missense variant.
Genome position (GRCh38, 1-based): chr4:122,742,104, A>G. VCF-style: chr4-122742104-A-G. GRCh37 (hg19) VCF-style: chr4-123663259-A-G.
Other names: c.212A>G, p.Asn71Ser (NM_001178007.2); short protein forms N71S.
Identifiers: ClinVar variation 215969 (VCV000215969.26), dbSNP rs143960329, ClinGen allele CA338134.